The following is an entry in ClinVar:

ClinVar aggregate classification (germline): Likely pathogenic. Review status: reviewed by expert panel (3 of 4 stars). 10 submissions from 10 submitters: Likely pathogenic (1). 9 of the submissions do not count toward it. Last evaluated 2021-10-25.

Conditions:
Abnormality of the mitochondrion. Identifiers: MedGen C4023042, HP:0012103.
Pyruvate dehydrogenase complex deficiency (PDHC). Also called: PYRUVATE DECARBOXYLASE DEFICIENCY; Pyruvate dehydrogenase deficiency; Ataxia with lactic acidosis 1; Pyruvate Dehydrogenase Complex Deficiency Disease; PDH DEFICIENCY. Identifiers: Orphanet 765, Orphanet 79243, MedGen C0034345, MONDO:0019169.
Inborn genetic diseases. Identifiers: MedGen C0950123, MeSH D030342.
Pyruvate dehydrogenase E1-alpha deficiency (PDHAD). Also called: ATAXIA, INTERMITTENT, WITH PYRUVATE DEHYDROGENASE DEFICIENCY; ATAXIA WITH LACTIC ACIDOSIS I; ATAXIA, INTERMITTENT, WITH ABNORMAL PYRUVATE METABOLISM; Ataxia, intermittent, with pyruvate dehydrogenase, or decarboxylase, deficiency. Identifiers: Orphanet 79243, MedGen C1839413, MONDO:0010717, OMIM 312170.

Submissions (10):

ClinGen Mitochondrial Disease Nuclear and Mitochondrial  Variant Curation Expert Panel, ClinGen
Classification: Likely pathogenic for Pyruvate dehydrogenase complex deficiency. Last evaluated: 2021-10-25. Review status: reviewed by expert panel. Criteria: clingen mito disease acmg specifications v1-1. Collection method: curation. Allele origin: germline. Inheritance: X-linked inheritance.
Comment: The c.214C>T (p.R72C) variant in PDHA1 has been reported in multiples males with pyruvate dehydrogenase deficiency with phenotypes ranging from childhood onset Leigh syndrome spectrum (PMID: 8664900) to living into adulthood with ataxia, neuropathy, and dystonia (PMID: 21914562). We did not come across any affected female case reports in this extensive literature review. This variant has been reported to be inherited from a healthy mother (PMID: 10679936; case 3-4) and there have been several de novo case reports, as well. Indeed, this variant has been identified as a de novo occurrence (unconfirmed parental relationships) in at least three unrelated individuals with pyruvate dehydrogenase deficiency [PM6; Utilized ClinGen SVI de novo scoring guidance (phenotype consistent but not highly specific); PMID: 10679936, case 3-2; PMID: 10679936, case 3-3; PMID: 21914562, case AM23]. Additionally, this variant has been seen in at least one other individual with documented decreased pyruvate dehydrogenase activity (PP4; Patient 3 in PMID: 15384102 had Leigh syndrome and decreased total PDH complex activity (in native and DCA-activated states) in fibroblast cell line (<3rd percentile of controls). This variant is absent from gnomAD v2.1.1 (PM2). The computational predictor REVEL gives a score of 0.955, which is above the threshold of 0.75, evidence that correlates with impact to PDHA1 function (PP3). In summary, this variant meets criteria to be classified as likely pathogenic for pyruvate dehydrogenase deficiency inherited in an X-linked manner. This classification was approved by the NICHD U24 Mitochondrial Disease Variant Curation Expert Panel on May 20, 2020. PDHA1-specific ACMG/AMP criteria applied: PM2, PM6, PP3, PP4.

GeneDx
Classification: Pathogenic. Last evaluated: 2025-11-12. Review status: criteria provided, single submitter. Criteria: GeneDx Variant Classification Process June 2021. Collection method: clinical testing. Allele origin: germline. Affected: yes. Not counted in ClinVar's aggregate classification.
Comment: Not observed at significant frequency in large population cohorts (gnomAD); In silico analysis supports that this missense variant has a deleterious effect on protein structure/function; This variant is associated with the following publications: (PMID: 7887409, 15384102, 15473177, 10679936, 25590979, 1301207, 20002125, 21914562, 8664900, 38374194, 37422902, 34156167, 39342148, 38831166)

Rady Children's Institute for Genomic Medicine, Rady Children's Hospital San Diego
Classification: Pathogenic for Pyruvate dehydrogenase E1-alpha deficiency. Last evaluated: 2025-03-05. Review status: criteria provided, single submitter. Criteria: ACMG Guidelines, 2015. Collection method: clinical testing. Allele origin: germline. Affected: yes. Not counted in ClinVar's aggregate classification.
Comment: The c.328C>T (p.Arg110Cys) variant, also referred to in the literature as c.214C>T (p.Arg72Cys), affects a highly conserved amino acid and is predicted by multiple in silico tools to have a deleterious effect on protein function. This variant has been previously reported as a hemizygous change in multiple individuals with pyruvate dehydrogenase E1-alpha deficiency, including instances of inheritance from an unaffected heterozygous mother and de novo occurrences (PMID: 1301207, 10679936, 7887409, 25590979, 20002125, 34156167, 38374194, 21914562). Fibroblasts from multiple affected individuals with this variant demonstrate reduced PDH complex activity (PMID: 1301207, 10679936, 15384102). The c.328C>T (p.Arg110Cys) variant is absent from the latest version of the gnomAD population database and thus is presumed to be rare. Based on parental analysis, this variant likely occurred as a de novo event. Based on the available evidence, c.328C>T (p.Arg110Cys) is classified as Pathogenic.

Labcorp Genetics (formerly Invitae), Labcorp
Classification: Pathogenic for Pyruvate dehydrogenase E1-alpha deficiency. Last evaluated: 2024-10-17. Review status: criteria provided, single submitter. Criteria: Invitae Variant Classification Sherloc (09022015). Collection method: clinical testing. Allele origin: germline. Not counted in ClinVar's aggregate classification.
Comment: This sequence change replaces arginine, which is basic and polar, with cysteine, which is neutral and slightly polar, at codon 72 of the PDHA1 protein (p.Arg72Cys). This variant is not present in population databases (gnomAD no frequency). This missense change has been observed in individuals with pyruvate dehydrogenase E1-alpha deficiency (PMID: 1301207, 7887409, 10679936, 20002125, 25590979). ClinVar contains an entry for this variant (Variation ID: 214938). Invitae Evidence Modeling of protein sequence and biophysical properties (such as structural, functional, and spatial information, amino acid conservation, physicochemical variation, residue mobility, and thermodynamic stability) indicates that this missense variant is expected to disrupt PDHA1 protein function with a positive predictive value of 95%. Experimental studies have shown that this missense change affects PDHA1 function (PMID: 1301207, 10679936). For these reasons, this variant has been classified as Pathogenic.

3billion
Classification: Likely pathogenic for Pyruvate dehydrogenase E1-alpha deficiency. Last evaluated: 2022-01-03. Review status: criteria provided, single submitter. Criteria: ACMG Guidelines, 2015. Collection method: clinical testing. Allele origin: germline. Affected: yes. Observed: 1 heterozygote. Not counted in ClinVar's aggregate classification.
Comment: Same nucleotide change resulting in same amino acid change has been previously reported as pathogenic/likely pathogenic with strong evidence (ClinVar ID: VCV000214938, PMID:1301207, PS1_S). In silico tool predictions suggest damaging effect of the variant on gene or gene product (REVEL: 0.955, 3CNET: 0.913, PP3_P). A missense variant is a common mechanism associated with Pyruvate dehydrogenase E1-alpha deficiency (PP2_P). It is not observed in the gnomAD v2.1.1 dataset (PM2_M). Therefore, this variant is classified as likely pathogenic according to the recommendation of ACMG/AMP guideline.

Illumina Laboratory Services, Illumina
Classification: Pathogenic for Pyruvate dehydrogenase E1-alpha deficiency. Last evaluated: 2021-12-20. Review status: criteria provided, single submitter. Criteria: ICSLVariantClassificationCriteria RUGD 01 April 2020. Collection method: clinical testing. Allele origin: unknown. Not counted in ClinVar's aggregate classification.
Comment: The PDHA1 c.214C>T (p.Arg72Cys) missense variant, also referred to in the literature as c.328C>T (p.Arg110Cys), results in the substitution of arginine at amino acid position 72 with a cysteine. Across a selection of the available literature, the c.214C>T variant was identified in a hemizygous state in eight male patients with pyruvate dehydrogenase deficiency (Lissens et al. 2000; Cameron et al. 2004; Head et al. 2004; Barnerias et al. 2010; Zhu et al. 2015). Several heterozygous carrier females have been identified with this variant, but their phenotypes were not described (Lissens et al. 2000; Cameron et al. 2004). Affected individuals presented with a range of phenotypes, including Leigh syndrome, hypotonia, dystonia, ataxia, MRI abnormalities, and elevated lactate and pyruvate in blood and CSF. The c.214C>T variant is not found in version 2.1.1 or version 3.1.2 of the Genome Aggregation Database. Evaluation of patient fibroblasts showed significantly decreased pyruvate dehydrogenase complex and pyruvate dehydrogenase E1 activity levels compared to controls (Lissens et al. 2000; Cameron et al. 2004; Head et al. 2004; Barnerias et al. 2010). Based on the available evidence, the c.214C>T (p.Arg72Cys) variant is classified as pathogenic for pyruvate dehydrogenase deficiency.

Kariminejad - Najmabadi Pathology & Genetics Center
Classification: Pathogenic for Abnormality of the mitochondrion. Last evaluated: 2021-07-10. Review status: criteria provided, single submitter. Criteria: ACMG Guidelines, 2015. Collection method: clinical testing. Allele origin: de novo. Affected: yes. Not counted in ClinVar's aggregate classification.

CeGaT Center for Human Genetics Tuebingen
Classification: Pathogenic. Last evaluated: 2019-11-01. Review status: criteria provided, single submitter. Criteria: CeGaT Center For Human Genetics Tuebingen Variant Classification Criteria Version 2. Collection method: clinical testing. Allele origin: germline. Affected: yes. Observed: 2 variant alleles. Not counted in ClinVar's aggregate classification.

Ambry Genetics
Classification: Likely pathogenic for Inborn genetic diseases. Last evaluated: 2017-04-27. Review status: criteria provided, single submitter. Criteria: Ambry exome assertion method (8-5-2015). Collection method: clinical testing. Allele origin: germline. Affected: yes. Observed: 1 variant allele. Not counted in ClinVar's aggregate classification.

PDHA1 Study Group, University Children’s Hospital, Paracelsus Medical University
Classification: Pathogenic for Pyruvate dehydrogenase E1-alpha deficiency. Last evaluated: 2024-10-15. Review status: no assertion criteria provided. Collection method: research. Allele origin: de novo. Affected: yes. Observed: 23 variant alleles. Not counted in ClinVar's aggregate classification.
Comment: The NM_000284.3:c.214C>T (p.Arg72Cys) substitution is a missense variant in the PDHA1 gene. This variant is absent or extremely rare in population-based cohorts in the Genome Aggregation Database (gnomAD). In total, 23 individuals diagnosed with PDHA1-related pyruvate dehydrogenase complex (PDHc) deficiency (MIM #312170) harbor this variant, including 20 males and 3 females. Among these, 7 cases have confirmed de novo occurrence, and 6 are confirmed inherited. The variant is reported in 10 published cases (PMIDs: 34156167, 36805432, 8504306, 8664900, 10679936, 15473177, 15384102, 21914562, 25590979), with an additional 13 unpublished cases from internal data. The last literature search is conducted on July 12, 2024. Individuals present with clinical features consistent with PDHA1-related PDHc deficiency. Based on the ACMG/AMP criteria applied (PS3, PM1, PM2, PM7, PP3, PP5), this variant is classified as pathogenic (P) (last assessment October 15, 2024).

Literature cited by the submitters: PubMed 1301207 (cited by 4 submitters); PubMed 10679936 (cited by 5 submitters); PubMed 7887409 (cited by Rady Children's Institute for Genomic Medicine, Rady Children's Hospital San Diego and Labcorp Genetics (formerly Invitae), Labcorp); PubMed 25590979 (cited by 5 submitters); PubMed 2000212 (cited by Rady Children's Institute for Genomic Medicine, Rady Children's Hospital San Diego); PubMed 34156167 (cited by Rady Children's Institute for Genomic Medicine, Rady Children's Hospital San Diego and PDHA1 Study Group, University Children’s Hospital, Paracelsus Medical University); PubMed 38374194 (cited by Rady Children's Institute for Genomic Medicine, Rady Children's Hospital San Diego); PubMed 21914562 (cited by Rady Children's Institute for Genomic Medicine, Rady Children's Hospital San Diego and PDHA1 Study Group, University Children’s Hospital, Paracelsus Medical University); PubMed 15384102 (cited by 3 submitters); PubMed 20002125 (cited by 3 submitters); PubMed 15473177 (cited by Illumina Laboratory Services, Illumina and PDHA1 Study Group, University Children’s Hospital, Paracelsus Medical University); PubMed 36805432 (cited by PDHA1 Study Group, University Children’s Hospital, Paracelsus Medical University); PubMed 8504306 (cited by PDHA1 Study Group, University Children’s Hospital, Paracelsus Medical University); PubMed 8664900 (cited by PDHA1 Study Group, University Children’s Hospital, Paracelsus Medical University); DOI 10.1093/brain/awaf430 (cited by PDHA1 Study Group, University Children’s Hospital, Paracelsus Medical University).

NM_000284.4(PDHA1):c.214C>T (p.Arg72Cys)

Gene: PDHA1 (pyruvate dehydrogenase E1 subunit alpha 1; plus strand). Cytogenetic location: Xp22.12.
Variant type: single nucleotide variant.
Coding change: c.214C>T on transcript NM_000284.4 (MANE Select); coding-DNA position 214, C replaced by T.
Protein change: p.Arg72Cys; replaces arginine 72 with cysteine.
Molecular consequence: missense variant.
Genome position (GRCh38, 1-based): chrX:19,350,033, C>T. VCF-style: chrX-19350033-C-T. GRCh37 (hg19) VCF-style: chrX-19368151-C-T.
Other names: NM_000284.4(PDHA1):c.214C>T; c.328C>T, p.Arg110Cys (NM_001173454.2); c.214C>T, p.Arg72Cys (NM_001173455.2, NM_001173456.2); c.328C>T (NM_001173454.1); short protein forms R72C, R110C.
Identifiers: ClinVar variation 214938 (VCV000214938.78), dbSNP rs863224148, ClinGen allele CA320653.